The following is an entry in ClinVar:

NM_000061.3(BTK):c.1558C>T (p.Arg520Ter)

Gene: BTK (Bruton tyrosine kinase; minus strand). Cytogenetic location: Xq22.1.
Variant type: single nucleotide variant.
Coding change: c.1558C>T on transcript NM_000061.3 (MANE Select); coding-DNA position 1558, C replaced by T.
Protein change: p.Arg520Ter; replaces arginine 520 with a stop codon.
Molecular consequence: nonsense. On other transcripts: intron variant (1).
Genome position (GRCh38, 1-based): chrX:101,356,060, G>A on the plus strand (C>T on the coding strand, the complement: BTK is on the minus strand). VCF-style: chrX-101356060-G-A. GRCh37 (hg19) VCF-style: chrX-100611048-G-A.
Other names: c.1660C>T, p.Arg554Ter (NM_001287344.2); c.1039-1366C>T (NM_001287345.2); short protein forms R520*, R554*.
Identifiers: ClinVar variation 11377 (VCV000011377.17), dbSNP rs128621201, ClinGen allele CA255828.

ClinVar aggregate classification (germline): Pathogenic. Review status: criteria provided, multiple submitters, no conflicts (2 of 4 stars). 7 submissions from 7 submitters: Pathogenic (4). 3 of the submissions do not count toward it. Last evaluated 2025-12-18.

Conditions:
Autosomal recessive agammaglobulinemia 1 (AGM1). Also called: Agammaglobulinemia type 1; AGAMMAGLOBULINEMIA, AUTOSOMAL RECESSIVE, DUE TO IGHM DEFECT. Identifiers: MedGen C3152144, MONDO:0020729, OMIM 601495.
X-linked agammaglobulinemia with growth hormone deficiency (IGHD3). Also called: ISOLATED GROWTH HORMONE DEFICIENCY, TYPE III, WITH AGAMMAGLOBULINEMIA; AGAMMAGLOBULINEMIA AND ISOLATED GROWTH HORMONE DEFICIENCY, X-LINKED; FLEISHER SYNDROME; HYPOGAMMAGLOBULINEMIA AND ISOLATED GROWTH HORMONE DEFICIENCY, X-LINKED; IGHD III; Isolated growth hormone deficiency type 3. Identifiers: Orphanet 231692, Orphanet 631, MedGen C0472813, MONDO:0010615, OMIM 307200.
X-linked agammaglobulinemia (XLA). Also called: Agammaglobulinemia, Bruton tyrosine kinase; Agammaglobulinemia, BTK; BTK-deficiency; IMMUNODEFICIENCY 1; Bruton's agammaglobulinemia; AGAMMAGLOBULINEMIA, X-LINKED, TYPE 1. Identifiers: Orphanet 229717, Orphanet 47, MedGen C0221026, MONDO:0010421, OMIM 300755.

Submissions (7):

Labcorp Genetics (formerly Invitae), Labcorp
Classification: Pathogenic for X-linked agammaglobulinemia with growth hormone deficiency. Last evaluated: 2025-12-18. Review status: criteria provided, single submitter. Criteria: Invitae Variant Classification Sherloc (09022015). Collection method: clinical testing. Allele origin: germline.
Comment: This sequence change creates a premature translational stop signal (p.Arg520*) in the BTK gene. It is expected to result in an absent or disrupted protein product. Loss-of-function variants in BTK are known to be pathogenic (PMID: 15661032, 16862044, 19419768). This variant is not present in population databases (gnomAD no frequency). This premature translational stop signal has been observed in individual(s) with X-linked agammaglobulinemia (PMID: 7849721, 7880320, 30072168). This variant is also known as 1690C>T. ClinVar contains an entry for this variant (Variation ID: 11377). Algorithms developed to predict the effect of sequence changes on RNA splicing suggest that this variant may disrupt the consensus splice site. For these reasons, this variant has been classified as Pathogenic.

GeneDx
Classification: Pathogenic. Last evaluated: 2024-05-28. Review status: criteria provided, single submitter. Criteria: GeneDx Variant Classification Process June 2021. Collection method: clinical testing. Allele origin: germline. Affected: yes.
Comment: Nonsense variant predicted to result in protein truncation or nonsense mediated decay in a gene for which loss-of-function is a known mechanism of disease; Not observed at significant frequency in large population cohorts (gnomAD); This variant is associated with the following publications: (PMID: 11742281, 15661032, 19039656, 9445504, 27512878, 15661031, 25777788, 7849697, 9545398, 16712653, 31967259, 7880320, 22927353, 21518255, 8834236, 30072168, 29424453, 14974089, 32914284, 33686510, 25525159, 34134972, 34992599, 33225392)

Victorian Clinical Genetics Services, Murdoch Childrens Research Institute
Classification: Pathogenic for X-linked agammaglobulinemia. Last evaluated: 2022-06-24. Review status: criteria provided, single submitter. Criteria: ACMG Guidelines, 2015. Collection method: clinical testing. Allele origin: germline. Inheritance: X-linked recessive inheritance.
Comment: Based on the classification scheme VCGS_Germline_v1.3.4, this variant is classified as pathogenic. The following criteria are met: 0102 - Loss of function is a known mechanism of disease in this gene and is associated with X-linked agammaglobulinemia 1 (MIM#300755) and isolated growth hormone deficiency type III with agammaglobulinemia (MIM#307200). (I) 0109 - This gene is associated with X-linked recessive disease. (I) 0201 - Variant is predicted to cause nonsense-mediated decay (NMD) and loss of protein (premature termination codon is located at least 54 nucleotides upstream of the final exon-exon junction). (SP) 0251 - This variant is heterozygous. (I) 0301 - Variant is absent from gnomAD (both v2 and v3). (SP) 0801 - This variant has strong previous evidence of pathogenicity in unrelated individuals. This variant has been reported multiple times as pathogenic in individuals with X-linked agammaglobulinemia (ClinVar, PMID: 30072168). (SP) 0701 - Other NMD-predicted variants comparable to the one identified in this case have very strong previous evidence for pathogenicity (ClinVar). (SP) Legend: (SP) - Supporting pathogenic, (I) - Information, (SB) - Supporting benign

Neuberg Centre For Genomic Medicine, NCGM
Classification: Pathogenic for X-linked agammaglobulinemia. Review status: criteria provided, single submitter. Criteria: ACMG Guidelines, 2015. Collection method: clinical testing. Allele origin: germline. Inheritance: Autosomal recessive inheritance. Affected: yes.
Comment: The observed stop gained c.1558C>T (p.Arg520Ter) variant in BTK gene has been previously reported in multiple individuals affected with Agammaglobulinemia (Tóth et al., 2009; Doğruel et al., 2019; Zhu et al., 1994). The p.Arg520Ter variant is absent in gnomAD Exomes. This variant has been submitted to the ClinVar database as Pathogenic (multiple submissions). The nucleotide change c.1558C>T in BTK is predicted as conserved by GERP++ and PhyloP across 100 vertebrates. This sequence change creates a premature translational stop signal (p.Arg520Ter) in the BTK gene. This variant is predicted to cause loss of normal protein function through protein truncation. Loss of function variants in BTK gene have been previously reported to be pathogenic (Tóth et al., 2009). For these reasons, this variant has been classified as Pathogenic.

Laboratory of Research in Genomics, Genetics and Bioinformatics, Hospital Infantil de Mexico Federico Gomez
Classification: Pathogenic for X-linked agammaglobulinemia. Last evaluated: 2025-04-08. Review status: no assertion criteria provided. Collection method: research. Allele origin: germline. Affected: yes. Not counted in ClinVar's aggregate classification.

Clinical Molecular Genetics Laboratory, Johns Hopkins All Children's Hospital
Classification: Pathogenic for Autosomal agammaglobulinemia. Last evaluated: 2008-02-14. Review status: no assertion criteria provided. Collection method: clinical testing. Allele origin: germline. Affected: yes. Not counted in ClinVar's aggregate classification.

OMIM
Classification: Pathogenic for AGAMMAGLOBULINEMIA, X-LINKED. Last evaluated: 1994-10-01. Review status: no assertion criteria provided. Collection method: literature only. Allele origin: germline. Not counted in ClinVar's aggregate classification.

Literature cited by the submitters: PubMed 15661032 (cited by Labcorp Genetics (formerly Invitae), Labcorp); PubMed 16862044 (cited by Labcorp Genetics (formerly Invitae), Labcorp); PubMed 19419768 (cited by Labcorp Genetics (formerly Invitae), Labcorp); PubMed 7849721 (cited by Labcorp Genetics (formerly Invitae), Labcorp and OMIM); PubMed 7880320 (cited by Labcorp Genetics (formerly Invitae), Labcorp and OMIM); PubMed 30072168 (cited by Labcorp Genetics (formerly Invitae), Labcorp and Victorian Clinical Genetics Services, Murdoch Childrens Research Institute).